The following is an entry in ClinVar:

ClinVar aggregate classification (germline): Uncertain significance (1 of 4 stars; one submission).

gnomAD v4.1: 7 of 1,551,594 alleles (0.00045%); highest among the groups gnomAD compares: African/African-American, 0.0027%; no homozygotes.

Submission:

Women's Health and Genetics/Laboratory Corporation of America, LabCorp
Classification: Uncertain significance. Last evaluated: 2024-11-08. Review status: criteria provided, single submitter. Criteria: LabCorp Variant Classification Summary - May 2015. Collection method: clinical testing. Allele origin: germline.
Comment: Variant summary: TTN c.27226C>T (p.Pro9076Ser) results in a non-conservative amino acid change located in the I-band of the encoded protein sequence. Two of three in-silico tools predict a benign effect of the variant on protein function. The variant was absent in 158278 control chromosomes. The available data on variant occurrences in the general population are insufficient to allow any conclusion about variant significance. To our knowledge, no occurrence of c.27226C>T in individuals affected with Autosomal Recessive Titinopathy and no experimental evidence demonstrating its impact on protein function have been reported. No submitters have cited clinical-significance assessments for this variant to ClinVar. Based on the evidence outlined above, the variant was classified as uncertain significance.

NM_001267550.2(TTN):c.30958C>T (p.Pro10320Ser)

Gene: TTN (titin; minus strand). Cytogenetic location: 2q31.2.
Variant type: single nucleotide variant.
Coding change: c.30958C>T on transcript NM_001267550.2 (MANE Select); coding-DNA position 30958, C replaced by T.
Protein change: p.Pro10320Ser; replaces proline 10320 with serine.
Molecular consequence: missense variant. On other transcripts: intron variant (3).
Genome position (GRCh38, 1-based): chr2:178,696,114, G>A on the plus strand (C>T on the coding strand, the complement: TTN is on the minus strand). VCF-style: chr2-178696114-G-A. GRCh37 (hg19) VCF-style: chr2-179560841-G-A.
Other names: c.30007C>T, p.Pro10003Ser (NM_001256850.1); c.27226C>T, p.Pro9076Ser (NM_133378.4); c.13282+41968C>T (NM_003319.4); c.13858+41968C>T (NM_133437.4); c.13657+41968C>T (NM_133432.3); short protein forms P10003S, P10320S, P9076S.
Identifiers: ClinVar variation 3629769 (VCV003629769.1).